The following is an entry in ClinVar:

NM_006269.2(RP1):c.2017A>T (p.Lys673Ter)

Gene: RP1 (RP1 axonemal microtubule associated; plus strand). Cytogenetic location: 8q12.1.
Variant type: single nucleotide variant.
Coding change: c.2017A>T on transcript NM_006269.2 (MANE Select); coding-DNA position 2017, A replaced by T.
Protein change: p.Lys673Ter; replaces lysine 673 with a stop codon.
Molecular consequence: nonsense. On other transcripts: intron variant (1).
Genome position (GRCh38, 1-based): chr8:54,625,899, A>T. VCF-style: chr8-54625899-A-T. GRCh37 (hg19) VCF-style: chr8-55538459-A-T.
Other names: c.787+3611A>T (NM_001375654.1); short protein forms K673*.
Identifiers: ClinVar variation 1437029 (VCV001437029.8), dbSNP rs766341403, ClinGen allele CA370992548.

ClinVar aggregate classification (germline): Pathogenic (1 of 4 stars; one submission).

Submission:

Labcorp Genetics (formerly Invitae), Labcorp
Classification: Pathogenic. Last evaluated: 2022-09-13. Review status: criteria provided, single submitter. Criteria: Invitae Variant Classification Sherloc (09022015). Collection method: clinical testing. Allele origin: germline.
Comment: This variant disrupts the C-terminus of the RP1 protein. Many variants that disrupt this region have been reported in individuals with either autosomal dominant or autosomal recessive retinitis pigmentosa (PMID: 11527933, 19933189, 29425069, 30027431, 33681214). Therefore, variants that disrupt this region are expected to be disease-causing. ClinVar contains an entry for this variant (Variation ID: 1437029). This premature translational stop signal has been observed in individual(s) with retinitis pigmentosa (Invitae). This variant is not present in population databases (gnomAD no frequency). This sequence change creates a premature translational stop signal (p.Lys673*) in the RP1 gene. While this is not anticipated to result in nonsense mediated decay, it is expected to disrupt the last 1484 amino acid(s) of the RP1 protein. For these reasons, this variant has been classified as Pathogenic.

Literature cited by the submitters: PubMed 11527933; PubMed 19933189; PubMed 29425069; PubMed 30027431; PubMed 33681214.